The following is an entry in ClinVar:

NM_001005373.4(LRSAM1):c.1401G>C (p.Met467Ile)

Gene: LRSAM1 (leucine rich repeat and sterile alpha motif containing 1; plus strand). Cytogenetic location: 9q33.3.
Variant type: single nucleotide variant.
Coding change: c.1401G>C on transcript NM_001005373.4 (MANE Select); coding-DNA position 1401, G replaced by C.
Protein change: p.Met467Ile; replaces methionine 467 with isoleucine.
Molecular consequence: missense variant. On other transcripts: non-coding transcript variant (2).
Genome position (GRCh38, 1-based): chr9:127,489,497, G>C. VCF-style: chr9-127489497-G-C. GRCh37 (hg19) VCF-style: chr9-130251776-G-C.
Other names: c.1401G>C, p.Met467Ile (NM_001005374.4, NM_001190723.3, NM_001384142.1 and 2 more transcripts); c.612G>C, p.Met204Ile (NM_001384144.1); short protein forms M467I, M204I.
Identifiers: ClinVar variation 2819230 (VCV002819230.3), dbSNP rs1441063485, ClinGen allele CA374933327.

ClinVar aggregate classification (germline): Uncertain significance (1 of 4 stars; one submission).

Conditions:
Charcot-Marie-Tooth disease axonal type 2P. Also called: CHARCOT-MARIE-TOOTH NEUROPATHY, TYPE 2P; Charcot-Marie-Tooth Neuropathy Type 2G; CHARCOT-MARIE-TOOTH DISEASE, AXONAL, TYPE 2G; CMT 2G. Identifiers: Orphanet 300319, Orphanet 99941, MedGen C3280797, MONDO:0013753, OMIM 614436.

Allele frequency attached by ClinVar (database versions not stated): TOPMed 0.00001.

Submission:

Labcorp Genetics (formerly Invitae), Labcorp
Classification: Uncertain significance for Charcot-Marie-Tooth disease axonal type 2P. Last evaluated: 2024-12-17. Review status: criteria provided, single submitter. Criteria: Invitae Variant Classification Sherloc (09022015). Collection method: clinical testing. Allele origin: germline.
Comment: This sequence change replaces methionine, which is neutral and non-polar, with isoleucine, which is neutral and non-polar, at codon 467 of the LRSAM1 protein (p.Met467Ile). This variant is not present in population databases (gnomAD no frequency). This variant has not been reported in the literature in individuals affected with LRSAM1-related conditions. ClinVar contains an entry for this variant (Variation ID: 2819230). Invitae Evidence Modeling of protein sequence and biophysical properties (such as structural, functional, and spatial information, amino acid conservation, physicochemical variation, residue mobility, and thermodynamic stability) indicates that this missense variant is not expected to disrupt LRSAM1 protein function with a negative predictive value of 80%. In summary, the available evidence is currently insufficient to determine the role of this variant in disease. Therefore, it has been classified as a Variant of Uncertain Significance.